The following is an entry in ClinVar:

ClinVar aggregate classification (germline): Pathogenic. Review status: criteria provided, single submitter (1 of 4 stars). 2 submissions from 2 submitters: Pathogenic (1). 1 of the submissions does not count toward it. Last evaluated 2023-11-27.

Conditions:
Action myoclonus-renal failure syndrome. Also called: EPILEPSY, PROGRESSIVE MYOCLONIC, 4, WITH RENAL FAILURE; EPILEPSY, PROGRESSIVE MYOCLONIC, 4, WITHOUT RENAL FAILURE; SCARB2-Related Action Myoclonus-Renal Failure Syndrome; MYOCLONUS-NEPHROPATHY SYNDROME. Identifiers: Orphanet 163696, MedGen C0751779, MeSH D020191, MONDO:0009699, OMIM 254900.
Progressive myoclonic epilepsy. Also called: Progressive myoclonus epilepsy; Familial progressive myoclonic epilepsy; Myoclonus epilepsy; Myoclonic Epilepsies, Progressive. Identifiers: Orphanet 308, Orphanet 98261, MedGen C0751778, MONDO:0020074.

Submissions (2):

Labcorp Genetics (formerly Invitae), Labcorp
Classification: Pathogenic for Progressive myoclonic epilepsy. Last evaluated: 2023-11-27. Review status: criteria provided, single submitter. Criteria: Invitae Variant Classification Sherloc (09022015). Collection method: clinical testing. Allele origin: germline.
Comment: This sequence change creates a premature translational stop signal (p.Ser414Cysfs*4) in the SCARB2 gene. It is expected to result in an absent or disrupted protein product. Loss-of-function variants in SCARB2 are known to be pathogenic (PMID: 19847901). This variant is present in population databases (no rsID available, gnomAD 0.003%). This variant has not been reported in the literature in individuals affected with SCARB2-related conditions. ClinVar contains an entry for this variant (Variation ID: 1323553). Algorithms developed to predict the effect of sequence changes on RNA splicing suggest that this variant may disrupt the consensus splice site. For these reasons, this variant has been classified as Pathogenic.

Revvity Omics, Revvity
Classification: Pathogenic for Action myoclonus-renal failure syndrome. Last evaluated: 2019-05-17. Review status: no assertion criteria provided. Collection method: clinical testing. Allele origin: germline. Not counted in ClinVar's aggregate classification.

Literature cited by the submitters: PubMed 19847901 (cited by Labcorp Genetics (formerly Invitae), Labcorp).

NC_000004.12:g.76163382CT[1]

Gene: SCARB2 (scavenger receptor class B member 2; minus strand). Cytogenetic location: 4q21.1.
Variant type: Microsatellite.
Genome position: GRCh38 VCF-style: chr4-76163381-ACT-A. GRCh37 (hg19) VCF-style: chr4-77084534-ACT-A.
Identifiers: ClinVar variation 1457299 (VCV001457299.6), dbSNP rs1178344132, ClinGen allele CA552353710.
Genomic context (GRCh38, chr4:76,163,381, plus strand): 5'-GATCAAAGTAGTGTTAATCATAGACTTCAGTCGACTCGCCGTCTCTTTATCAATGTGAAC[ACT>A]CTGGAGAGGCAAGAAAATAGTATTCTTGATGACTAAACATCCAGTGTGTAACTGTTTTTT-3'